The following is an entry in ClinVar:

ClinVar aggregate classification (germline): Likely benign. Review status: reviewed by expert panel (3 of 4 stars). 10 submissions from 10 submitters: Likely benign (1). 9 of the submissions do not count toward it. Last evaluated 2021-03-18.

Conditions:
RYR1-related disorder. Also called: RYR1-related disorders; RYR1-related condition. Identifiers: MedGen CN239331.
Malignant hyperthermia, susceptibility to, 1 (MHS1). Also called: Anesthesia related hyperthermia; Malignant hyperpyrexia; Fulminating hyperpyrexia; Pharmacogenic myopathy; Malignant hyperthermia suceptibility 1; RYR1-Related Malignant Hyperthermia Susceptibility. Identifiers: Orphanet 423, MedGen C2930980, MONDO:0007783, OMIM 145600.

Allele frequency attached by ClinVar (database versions not stated): TOPMed 0.00002; gnomAD 0.00007 and 0.00009; gnomAD exomes 0.00015 and 0.00017; ExAC 0.00018; 1000 Genomes Project 0.00020; 1000 Genomes Project 30x 0.00031.
gnomAD v4.1: 259 of 1,613,886 alleles (0.016%); highest among the groups gnomAD compares: South Asian, 0.11%; no homozygotes.

Submissions (10):

ClinGen Malignant Hyperthermia Susceptibility Variant Curation Expert Panel, ClinGen
Classification: Likely benign for Malignant hyperthermia, susceptibility to, 1. Last evaluated: 2021-03-18. Review status: reviewed by expert panel. Criteria: ClinGen MHS ACMG Specifications V1. Collection method: curation. Allele origin: germline. Inheritance: Autosomal dominant inheritance. Study: ClinGen.
Comment: This pathogenicity assessment is relevant only for malignant hyperthermia susceptibility (MHS) inherited in an autosomal dominant pattern. Variants in RYR1 can also cause other myopathies inherited in an autosomal dominant pattern or in an autosomal recessive pattern. Some of these disorders may predispose individuals to malignant hyperthermia. RYR1 variants may also contribute to a malignant hyperthermia reaction in combination with other genetic and non-genetic factors and the clinician needs to consider such factors in making management decisions. This sequence variant predicts a substitution of arginine with cysteine at codon 2224 of the RYR1 protein p.(Arg2224Cys). The maximum allele frequency for this variant among the six major gnomAD populations is SAS: 0.00091, this is considered to be more common than expected for a pathogenic variant causing autosomal dominant MHS, BS1. This variant has been reported in one individual who has a personal or family history of a malignant hyperthermia reaction, this individual had a positive in vitro contracture test (IVCT) or caffeine halothane contracture test (CHCT) result (when the proband was unavailable for testing a positive diagnostic test result in a mutation positive relative was counted) (PMID:30236257). The high maf in the SAS population in gnomAD precludes the use of PS4. No functional studies were identified for this variant. This variant resides in a region of RYR1 considered to be a hotspot for pathogenic variants that contribute to MHS, PM1 (PMID: 21118704). A REVEL score 0.728 supports neither a pathogenic or a benign status. Based on using Bayes to combine criteria this variant is assessed as Likely Benign, (PMID: 29300386). Criteria implemented: BS1, PM1.

Labcorp Genetics (formerly Invitae), Labcorp
Classification: Likely benign for RYR1-related disorder. Last evaluated: 2026-01-17. Review status: criteria provided, single submitter. Criteria: Invitae Variant Classification Sherloc (09022015). Collection method: clinical testing. Allele origin: germline. Not counted in ClinVar's aggregate classification.

GeneDx
Classification: Uncertain significance. Last evaluated: 2025-07-31. Review status: criteria provided, single submitter. Criteria: GeneDx Variant Classification Process June 2021. Collection method: clinical testing. Allele origin: germline. Affected: yes. Not counted in ClinVar's aggregate classification.
Comment: Reported as a variant of uncertain significance in an individual with coronary artery disease who did not have any reported history of myopathy or malignant hyperthermia (PMID: 24195946); Reported previously as a paternally inherited variant in a patient with lower limb muscle weakness, delayed motor development, and absent deep tendon reflexes (PMID: 35846108); In silico analysis supports that this missense variant has a deleterious effect on protein structure/function; This variant is associated with the following publications: (PMID: 26110843, 12668474, 33767344, 30236257, 30916033, 24195946, 35846108)

PreventionGenetics, part of Exact Sciences
Classification: Likely benign for RYR1-related condition. Last evaluated: 2025-06-10. Review status: criteria provided, single submitter. Criteria: ACMG Guidelines, 2015. Collection method: clinical testing. Allele origin: germline. Not counted in ClinVar's aggregate classification.
Comment: This variant is classified as likely benign based on ACMG/AMP sequence variant interpretation guidelines (Richards et al. 2015 PMID: 25741868, with internal and published modifications).

Mayo Clinic Laboratories, Mayo Clinic
Classification: Uncertain significance. Last evaluated: 2025-06-05. Review status: criteria provided, single submitter. Criteria: ACMG Guidelines, 2015. Collection method: clinical testing. Allele origin: germline. Observed: 1 variant allele. Not counted in ClinVar's aggregate classification.
Comment: PP3

ARUP Laboratories, Molecular Genetics and Genomics, ARUP Laboratories
Classification: Uncertain significance. Last evaluated: 2024-12-13. Review status: criteria provided, single submitter. Criteria: ARUP Molecular Germline Variant Investigation Process 2024. Collection method: clinical testing. Allele origin: germline. Not counted in ClinVar's aggregate classification.
Comment: The RYR1 c.6670C>T; p.Arg2224Cys variant (rs199870223, ClinVar Variation ID: 224387) is reported in the literature in multiple individuals affected with malignant hyperthermia or hypotonia (Chang 2019, Eker 2022, Miller 2018). This variant is found in the general population with an overall allele frequency of 0.015% (41/282330 alleles) in the Genome Aggregation Database (v2.1.1). In vitro functional analysis demonstrates abnormal response to halothane (Chang 2019). Computational analyses predict that this variant is neutral (REVEL: 0.728). Due to limited and conflicting information, the clinical significance of this variant is uncertain at this time. References: Chang L et al. Permeabilised skeletal muscle reveals mitochondrial deficiency in malignant hyperthermia-susceptible individuals. Br J Anaesth. 2019 May;122(5):613-621. PMID: 30916033. Eker D et al. Investigating the Genetic Etiology of Pediatric Patients with Peripheral Hypotonia Using the Next-Generation Sequencing Method. Glob Med Genet. 2022 Jul 15;9(3):200-207. PMID: 35846108. Miller DM et al. Genetic epidemiology of malignant hyperthermia in the UK. Br J Anaesth. 2018 Oct;121(4):944-952. PMID: 30236257.

Color Diagnostics, LLC DBA Color Health
Classification: Likely benign for Malignant hyperthermia, susceptibility to, 1. Last evaluated: 2024-02-03. Review status: criteria provided, single submitter. Criteria: ACMG Guidelines, 2015. Collection method: clinical testing. Allele origin: germline. Not counted in ClinVar's aggregate classification.

Revvity Omics, Revvity
Classification: Uncertain significance. Last evaluated: 2023-01-17. Review status: criteria provided, single submitter. Criteria: ACMG Guidelines, 2015. Collection method: clinical testing. Allele origin: germline. Not counted in ClinVar's aggregate classification.

Dubai Health Genomic Medicine Center, Dubai Health
Classification: Uncertain significance. Last evaluated: 2020-03-19. Review status: criteria provided, single submitter. Criteria: ACMG Guidelines, 2015. Collection method: clinical testing. Allele origin: germline. Affected: yes. Not counted in ClinVar's aggregate classification.

Biesecker Lab/Clinical Genomics Section, National Institutes of Health
Classification: Uncertain significance for Malignant hyperthermia, susceptibility to, 1. Last evaluated: 2013-07-01. Review status: criteria provided, single submitter. Criteria: Gonsalves et al. 2013. Collection method: research. Allele origin: unknown. Observed: 1 variant allele. Study: ClinSeq. Not counted in ClinVar's aggregate classification.
Comment: The study set was not selected for affection status in relation to any myopathy. Pathogenicity categories were based on literature curation. See Pubmed ID: 24195946 for details.

Literature cited by the submitters: PubMed 30236257 (cited by Mayo Clinic Laboratories, Mayo Clinic); PubMed 35846108 (cited by Mayo Clinic Laboratories, Mayo Clinic).

NM_000540.3(RYR1):c.6670C>T (p.Arg2224Cys)

Gene: RYR1 (ryanodine receptor 1; plus strand). Cytogenetic location: 19q13.2.
Variant type: single nucleotide variant.
Coding change: c.6670C>T on transcript NM_000540.3 (MANE Select); coding-DNA position 6670, C replaced by T.
Protein change: p.Arg2224Cys; replaces arginine 2224 with cysteine.
Molecular consequence: missense variant.
Genome position (GRCh38, 1-based): chr19:38,496,415, C>T. VCF-style: chr19-38496415-C-T. GRCh37 (hg19) VCF-style: chr19-38987055-C-T.
Other names: NM_000540.2(RYR1):c.6670C>T; c.6670C>T, p.Arg2224Cys (NM_001042723.2); short protein forms R2224C.
Identifiers: ClinVar variation 224387 (VCV000224387.21), dbSNP rs199870223, ClinGen allele CA068565.